The following is an entry in ClinVar:

ClinVar aggregate classification (germline): Uncertain significance (1 of 4 stars; one submission).

Conditions:
Hypertrophic cardiomyopathy. Also called: HYPERTROPHIC MYOCARDIOPATHY. Identifiers: Orphanet 217569, MedGen C0007194, MeSH D002312, MONDO:0005045, HP:0001639.

Submission:

Labcorp Genetics (formerly Invitae), Labcorp
Classification: Uncertain significance for Hypertrophic cardiomyopathy. Last evaluated: 2023-12-11. Review status: criteria provided, single submitter. Criteria: Invitae Variant Classification Sherloc (09022015). Collection method: clinical testing. Allele origin: germline.
Comment: This sequence change creates a premature translational stop signal (p.Val1231Leufs*12) in the MYH7 gene. It is expected to result in an absent or disrupted protein product. However, the current clinical and genetic evidence is not sufficient to establish whether loss-of-function variants in MYH7 cause disease. This variant is not present in population databases (gnomAD no frequency). This variant has not been reported in the literature in individuals affected with MYH7-related conditions. In summary, the available evidence is currently insufficient to determine the role of this variant in disease. Therefore, it has been classified as a Variant of Uncertain Significance.

NM_000257.4(MYH7):c.3691_3695del (p.Val1231fs)

Gene: MYH7 (myosin heavy chain 7; minus strand). Cytogenetic location: 14q11.2.
Variant type: Deletion.
Coding change: c.3691_3695del on transcript NM_000257.4 (MANE Select); coding-DNA positions 3691 to 3695, 5 bases deleted (GTCAC; older notation c.3691_3695delGTCAC).
Protein change: p.Val1231fs; shifts the reading frame from valine 1231.
Molecular consequence: frameshift variant.
Genome position (GRCh38, 1-based): chr14:23,419,876-23,419,880, GTGAC deleted on the plus strand (GTCAC on the coding strand, the reverse complement: MYH7 is on the minus strand); deleting any 5 consecutive bases within chr14:23,419,876-23,419,882 gives the same sequence; the c. name uses the placement nearest the transcript's 3' end. VCF-style (leftmost placement, unchanged base first): chr14-23419875-GGTGAC-G. GRCh37 (hg19) VCF-style: chr14-23889084-GGTGAC-G.
Other names: c.3691_3695del, p.Val1231fs (NM_001407004.1); short protein forms V1231fs.
Identifiers: ClinVar variation 2701760 (VCV002701760.3), dbSNP rs2502263651, ClinGen allele CA961071402.
Genomic context (GRCh38, chr14:23,419,875, plus strand): 5'-TTGGAGGAGGGGAGGCCGAGCAGAGCCTGCCTTGGCCTTGATGATCTGCTCCATGTTGGA[GGTGAC>G]GTCATCCAGCTCCAGCTTGAACTCGCTCTTCTCCTTCTCCAGCTTCTGCTTCACCCGCTG-3'